The following is an entry in ClinVar:

ClinVar aggregate classification (germline): Uncertain significance (1 of 4 stars; one submission).

Conditions:
CEBALID syndrome (CEBALID). Also called: MN1 C-TERMINAL TRUNCATION SYNDROME; CRANIOFACIAL DEFECTS, DYSMORPHIC EARS, STRUCTURAL BRAIN ABNORMALITIES, EXPRESSIVE LANGUAGE DELAY, AND IMPAIRED INTELLECTUAL DEVELOPMENT. Identifiers: Orphanet 693549, MedGen C5394044, MONDO:0032908, OMIM 618774.

Submission:

Victorian Clinical Genetics Services, Murdoch Childrens Research Institute
Classification: Uncertain significance for CEBALID syndrome. Last evaluated: 2022-02-02. Review status: criteria provided, single submitter. Criteria: ACMG Guidelines, 2015. Collection method: clinical testing. Allele origin: germline. Inheritance: Autosomal dominant inheritance. Affected: yes.
Comment: Based on the classification scheme VCGS_Germline_v1.3.4, this variant is classified as VUS-3B. Following criteria are met: 0103 - Gain of function and loss of function are known mechanisms of disease in this gene and are associated with CEBALID syndrome (MIM#618774) (PMID: 33351070, OMIM). (I) 0107 - This gene is associated with autosomal dominant disease. (I) 0115 - Variants in this gene are known to have variable expressivity. NMD-predicted variants are associated with a milder phenotype, whereas variants that cause a premature termination codon in the C-terminal (predicted to escape NMD) resulting in a gain of function are associated with a more severe phenotype (PMIDs: 33351070, 33351141). (I) 0200 - Variant is predicted to result in a missense amino acid change from glutamic acid to valine. (I) 0251 - This variant is heterozygous. (I) 0301 - Variant is absent from gnomAD (both v2 and v3). (SP) 0501 - Missense variant consistently predicted to be damaging by multiple in silico tools or highly conserved with a major amino acid change. (SP) 0604 - Variant is not located in an established domain, motif, hotspot or informative constraint region. (I) 0705 - No comparable missense variants have previous evidence for pathogenicity. (I) 0807 - This variant has no previous evidence of pathogenicity. (I) 0905 - No published segregation evidence has been identified for this variant. (I) 1007 - No published functional evidence has been identified for this variant. (I) 1208 - Inheritance information for this variant is not currently available in this individual. (I) Legend: (SP) - Supporting pathogenic, (I) - Information, (SB) - Supporting benign

Literature cited by the submitters: PubMed 33351070; PubMed 33351141.

NM_002430.3(MN1):c.3665A>T (p.Glu1222Val)

Gene: MN1 (MN1 proto-oncogene, transcriptional regulator; minus strand). Cytogenetic location: 22q12.1.
Variant type: single nucleotide variant.
Coding change: c.3665A>T on transcript NM_002430.3 (MANE Select); coding-DNA position 3665, A replaced by T.
Protein change: p.Glu1222Val; replaces glutamic acid 1222 with valine.
Molecular consequence: missense variant.
Genome position (GRCh38, 1-based): chr22:27,796,879, T>A on the plus strand (A>T on the coding strand, the complement: MN1 is on the minus strand). VCF-style: chr22-27796879-T-A. GRCh37 (hg19) VCF-style: chr22-28192867-T-A.
Other names: short protein forms E1222V.
Identifiers: ClinVar variation 1805058 (VCV001805058.1), dbSNP rs2517769871, ClinGen allele CA411041774.